The following is an entry in ClinVar:

NM_001844.5(COL2A1):c.1514C>A (p.Pro505His)

Gene: COL2A1 (collagen type II alpha 1 chain; minus strand). Cytogenetic location: 12q13.11.
Variant type: single nucleotide variant.
Coding change: c.1514C>A on transcript NM_001844.5 (MANE Select); coding-DNA position 1514, C replaced by A.
Protein change: p.Pro505His; replaces proline 505 with histidine.
Molecular consequence: missense variant.
Genome position (GRCh38, 1-based): chr12:47,986,349, G>T on the plus strand (C>A on the coding strand, the complement: COL2A1 is on the minus strand). VCF-style: chr12-47986349-G-T. GRCh37 (hg19) VCF-style: chr12-48380132-G-T.
Other names: c.1307C>A, p.Pro436His (NM_033150.3); short protein forms P505H, P436H.
Identifiers: ClinVar variation 3687695 (VCV003687695.2).

ClinVar aggregate classification (germline): Uncertain significance (1 of 4 stars; one submission).

Submission:

Labcorp Genetics (formerly Invitae), Labcorp
Classification: Uncertain significance. Last evaluated: 2024-02-18. Review status: criteria provided, single submitter. Criteria: Invitae Variant Classification Sherloc (09022015). Collection method: clinical testing. Allele origin: germline.
Comment: This sequence change replaces proline, which is neutral and non-polar, with histidine, which is basic and polar, at codon 505 of the COL2A1 protein (p.Pro505His). This variant is not present in population databases (gnomAD no frequency). This variant has not been reported in the literature in individuals affected with COL2A1-related conditions. Advanced modeling of protein sequence and biophysical properties (such as structural, functional, and spatial information, amino acid conservation, physicochemical variation, residue mobility, and thermodynamic stability) has been performed at Invitae for this missense variant, however the output from this modeling did not meet the statistical confidence thresholds required to predict the impact of this variant on COL2A1 protein function. In summary, the available evidence is currently insufficient to determine the role of this variant in disease. Therefore, it has been classified as a Variant of Uncertain Significance.